The following is an entry in ClinVar:

NM_020184.4(CNNM4):c.*1516C>T

Gene: CNNM4 (cyclin and CBS domain divalent metal cation transport mediator 4; plus strand). Cytogenetic location: 2q11.2.
Variant type: single nucleotide variant.
Coding change: c.*1516C>T on transcript NM_020184.4 (MANE Select); 1516 bases downstream of the stop codon, C replaced by T.
Molecular consequence: 3 prime UTR variant.
Genome position (GRCh38, 1-based): chr2:96,811,033, C>T. VCF-style: chr2-96811033-C-T. GRCh37 (hg19) VCF-style: chr2-97476770-C-T.
Identifiers: ClinVar variation 337610 (VCV000337610.5), dbSNP rs116742732, ClinGen allele CA10616470.

ClinVar aggregate classification (germline): Benign (1 of 4 stars; one submission).

Conditions:
Jalili syndrome. Also called: CONE-ROD DYSTROPHY AND AMELOGENESIS IMPERFECTA. Identifiers: Orphanet 1873, MedGen C3495589, MONDO:0009007, OMIM 217080.

Allele frequency attached by ClinVar (database versions not stated): gnomAD 0.01239 and 0.01343; 1000 Genomes Project 0.01398; gnomAD exomes 0.01667; 1000 Genomes Project 30x 0.01530; TOPMed 0.01411.
gnomAD v4.1: 1,868 of 152,322 alleles (1.2%); highest among the groups gnomAD compares: African/African-American, 4.3%; 44 homozygotes.

Submission:

Illumina Laboratory Services, Illumina
Classification: Benign for Jalili syndrome. Last evaluated: 2018-01-12. Review status: criteria provided, single submitter. Criteria: ICSL Variant Classification Criteria 13 December 2019. Collection method: clinical testing. Allele origin: germline.
Comment: This variant was observed in the ICSL laboratory as part of a predisposition screen in an ostensibly healthy population. It had not been previously curated by ICSL or reported in the Human Gene Mutation Database (HGMD: prior to June 1st, 2018), and was therefore a candidate for classification through an automated scoring system. Utilizing variant allele frequency, disease prevalence and penetrance estimates, and inheritance mode, an automated score was calculated to assess if this variant is too frequent to cause the disease. Based on the score and internal cut-off values, a variant classified as benign is not then subjected to further curation. The score for this variant resulted in a classification of benign for this disease.